The following is an entry in ClinVar:

ClinVar aggregate classification (germline): Benign. Review status: criteria provided, multiple submitters, no conflicts (2 of 4 stars). 20 submissions from 16 submitters: Benign (15). 5 of the submissions do not count toward it. Last evaluated 2026-05-04.

Conditions:
Joubert syndrome. Also called: Familial aplasia of the vermis; JOUBERT-BOLTSHAUSER SYNDROME. Identifiers: Orphanet 475, MedGen C5979921, MONDO:0018772.
Nephronophthisis. Also called: Juvenile Nephronophthisis. Identifiers: Orphanet 655, MedGen C0687120, MONDO:0019005, HP:0000090.
Meckel-Gruber syndrome. Also called: DYSENCEPHALIA SPLANCHNOCYSTICA; GRUBER SYNDROME; Dysencephalia splachnocystica. Identifiers: Orphanet 564, MedGen C0265215, MONDO:0018921.
Retinal dystrophy. Also called: Inherited retinal dystrophy. Identifiers: Orphanet 71862, MedGen C0854723, MeSH D058499, MONDO:0019118, HP:0000556.
Leber congenital amaurosis (LCA). Also called: Leber's amaurosis. Identifiers: Orphanet 65, MedGen C0339527, MeSH D057130, MONDO:0018998.
Meckel syndrome, type 4 (MKS4). Also called: MECKEL-GRUBER SYNDROME, TYPE 4. Identifiers: Orphanet 564, MedGen C1970161, MONDO:0012626, OMIM 611134.
Bardet-Biedl syndrome 14 (BBS14). Identifiers: Orphanet 110, MedGen C2673874, MONDO:0014442, OMIM 615991.
Senior-Loken syndrome 6 (SLSN6). Identifiers: Orphanet 3156, MedGen C1857779, MONDO:0012433, OMIM 610189.
Leber congenital amaurosis 10 (LCA10). Identifiers: Orphanet 65, MedGen C1857821, MONDO:0012723, OMIM 611755.
Joubert syndrome 5 (JBTS5). Identifiers: Orphanet 2318, MedGen C1857780, MONDO:0012432, OMIM 610188.

Allele frequency attached by ClinVar (database versions not stated): 1000 Genomes Project 0.06889; 1000 Genomes Project 30x 0.07042; gnomAD 0.11753 and 0.11965; TOPMed 0.11756; gnomAD exomes 0.13823 and 0.15604; ESP Exome Variant Server 0.13844; ExAC 0.17031.
gnomAD v4.1: 237,440 of 1,560,026 alleles (15%); highest among the groups gnomAD compares: Middle Eastern, 26%; 20,067 homozygotes.

Submissions (20):

Women's Health and Genetics/Laboratory Corporation of America, LabCorp
Classification: Benign. Last evaluated: 2026-05-04. Review status: criteria provided, single submitter. Criteria: LabCorp Variant Classification Summary - May 2015. Collection method: clinical testing. Allele origin: germline.

Labcorp Genetics (formerly Invitae), Labcorp
Classification: Benign for Joubert syndrome; Meckel-Gruber syndrome; Nephronophthisis. Last evaluated: 2026-02-04. Review status: criteria provided, single submitter. Criteria: Invitae Variant Classification Sherloc (09022015). Collection method: clinical testing. Allele origin: germline.

Blueprint Genetics
Classification: Benign. Last evaluated: 2024-11-27. Review status: criteria provided, single submitter. Criteria: ACMG Guidelines, 2015. Collection method: clinical testing. Allele origin: germline.

Dept Of Ophthalmology, Nagoya University
Classification: Benign for Retinal dystrophy. Last evaluated: 2023-10-01. Review status: criteria provided, single submitter. Criteria: Submitter's publication. Collection method: research. Allele origin: germline. Affected: yes.

Mayo Clinic Laboratories, Mayo Clinic
Classification: Benign. Last evaluated: 2022-03-09. Review status: criteria provided, single submitter. Criteria: ACMG Guidelines, 2015. Collection method: clinical testing. Allele origin: germline. Observed: 48 variant alleles.

Athena Diagnostics
Classification: Benign. Last evaluated: 2018-03-12. Review status: criteria provided, single submitter. Criteria: Athena Diagnostics Criteria. Collection method: clinical testing. Allele origin: germline.

Illumina Laboratory Services, Illumina
Classification: Benign for Joubert syndrome 5. Last evaluated: 2018-01-13. Review status: criteria provided, single submitter. Criteria: ICSL Variant Classification Criteria 13 December 2019. Collection method: clinical testing. Allele origin: germline.
Comment: This variant was observed in the ICSL laboratory as part of a predisposition screen in an ostensibly healthy population. It had not been previously curated by ICSL or reported in the Human Gene Mutation Database (HGMD: prior to June 1st, 2018), and was therefore a candidate for classification through an automated scoring system. Utilizing variant allele frequency, disease prevalence and penetrance estimates, and inheritance mode, an automated score was calculated to assess if this variant is too frequent to cause the disease. Based on the score and internal cut-off values, a variant classified as benign is not then subjected to further curation. The score for this variant resulted in a classification of benign for this disease.

Illumina Laboratory Services, Illumina
Classification: Benign for Senior-Loken syndrome 6. Last evaluated: 2018-01-13. Review status: criteria provided, single submitter. Criteria: ICSL Variant Classification Criteria 13 December 2019. Collection method: clinical testing. Allele origin: germline.
Comment: the same text as in the submission from Illumina Laboratory Services, Illumina above.

Illumina Laboratory Services, Illumina
Classification: Benign for Leber congenital amaurosis 10. Last evaluated: 2018-01-13. Review status: criteria provided, single submitter. Criteria: ICSL Variant Classification Criteria 13 December 2019. Collection method: clinical testing. Allele origin: germline.
Comment: the same text as in the submission from Illumina Laboratory Services, Illumina above.

Illumina Laboratory Services, Illumina
Classification: Benign for Meckel syndrome, type 4. Last evaluated: 2018-01-13. Review status: criteria provided, single submitter. Criteria: ICSL Variant Classification Criteria 13 December 2019. Collection method: clinical testing. Allele origin: germline.
Comment: the same text as in the submission from Illumina Laboratory Services, Illumina above.

Illumina Laboratory Services, Illumina
Classification: Benign for Bardet-Biedl syndrome 14. Last evaluated: 2018-01-13. Review status: criteria provided, single submitter. Criteria: ICSL Variant Classification Criteria 13 December 2019. Collection method: clinical testing. Allele origin: germline.
Comment: the same text as in the submission from Illumina Laboratory Services, Illumina above.

GeneDx
Classification: Benign. Last evaluated: 2014-01-31. Review status: criteria provided, single submitter. Criteria: GeneDx Variant Classification (06012015). Collection method: clinical testing. Allele origin: germline. Affected: yes.
Comment: This variant is considered likely benign or benign based on one or more of the following criteria: it is a conservative change, it occurs at a poorly conserved position in the protein, it is predicted to be benign by multiple in silico algorithms, and/or has population frequency not consistent with disease.

Eurofins Ntd Llc (ga)
Classification: Benign. Last evaluated: 2013-08-14. Review status: criteria provided, single submitter. Criteria: EGL Classification Definitions 2015. Collection method: clinical testing. Allele origin: germline. Observed: 1 variant allele, 1 heterozygote.

Breakthrough Genomics
Classification: Benign. Review status: criteria provided, single submitter. Criteria: ACMG Guidelines, 2015. Collection method: not provided. Allele origin: germline. Inheritance: Autosomal recessive inheritance. Affected: yes.

PreventionGenetics, part of Exact Sciences
Classification: Benign. Review status: criteria provided, single submitter. Criteria: ACMG Guidelines, 2015. Collection method: clinical testing. Allele origin: germline.

Natera, Inc.
Classification: Benign for Leber congenital amaurosis. Last evaluated: 2020-09-16. Review status: no assertion criteria provided. Collection method: clinical testing. Allele origin: germline. Not counted in ClinVar's aggregate classification.

Clinical Genetics DNA and cytogenetics Diagnostics Lab, Erasmus MC, Erasmus Medical Center
Classification: Benign. Review status: no assertion criteria provided. Collection method: clinical testing. Allele origin: germline. Affected: yes. Study: VKGL Data-share Consensus. Not counted in ClinVar's aggregate classification.

Genetic Services Laboratory, University of Chicago
Classification: Likely benign for AllHighlyPenetrant. Review status: no assertion criteria provided. Collection method: clinical testing. Allele origin: germline. Inheritance: Autosomal recessive inheritance. Observed: 165 variant alleles. Not counted in ClinVar's aggregate classification.
Comment: Likely benign based on allele frequency in 1000 Genomes Project or ESP global frequency and its presence in a patient with a rare or unrelated disease phenotype. NOT Sanger confirmed.

Joint Genome Diagnostic Labs from Nijmegen and Maastricht, Radboudumc and MUMC+
Classification: Benign. Review status: no assertion criteria provided. Collection method: clinical testing. Allele origin: germline. Affected: yes. Study: VKGL Data-share Consensus. Not counted in ClinVar's aggregate classification.

Retina International
No classification provided. Review status: no classification provided. Collection method: not provided. Allele origin: unknown. Not counted in ClinVar's aggregate classification.

NM_025114.4(CEP290):c.2055T>C (p.Ala685=)

Gene: CEP290 (centrosomal protein 290; minus strand). Cytogenetic location: 12q21.32.
Variant type: single nucleotide variant.
Coding change: c.2055T>C on transcript NM_025114.4 (MANE Select); coding-DNA position 2055, T replaced by C.
Protein change: p.Ala685=; no amino-acid change (alanine 685 retained).
Molecular consequence: synonymous variant.
Genome position (GRCh38, 1-based): chr12:88,111,856, A>G on the plus strand (T>C on the coding strand, the complement: CEP290 is on the minus strand). VCF-style: chr12-88111856-A-G. GRCh37 (hg19) VCF-style: chr12-88505633-A-G.
Other names: p.A685A:GCT>GCC; p.Ala685=.
Identifiers: ClinVar variation 96168 (VCV000096168.34), dbSNP rs45465996, ClinGen allele CA149311.
Genomic context (GRCh38, chr12:88,111,856, plus strand): 5'-AACTTGGGCTTTCAAATGCAGACTCGCATCAAAGATTCCTTCTGCATTCTTTGATTCTAT[A>G]GCCTAGCAAATTTATATTATATATTAGAAATGTGGAGAAAAACAGTAAAATCATAGTAAA-3'
Protein context (NP_079390.3, residues 675-695): IIPSLERLVN[Ala685=]IESKNAEGIF